The following is an entry in ClinVar:

ClinVar aggregate classification (germline): Likely pathogenic (1 of 4 stars; one submission).

Conditions:
Autosomal recessive severe congenital neutropenia due to G6PC3 deficiency. Also called: NEUTROPENIA, SEVERE CONGENITAL, 4, AUTOSOMAL RECESSIVE; G6PC3 Deficiency. Identifiers: Orphanet 331176, MedGen C2751630, MONDO:0012930, OMIM 612541.

Submission:

Labcorp Genetics (formerly Invitae), Labcorp
Classification: Likely pathogenic for Autosomal recessive severe congenital neutropenia due to G6PC3 deficiency. Last evaluated: 2023-11-06. Review status: criteria provided, single submitter. Criteria: Invitae Variant Classification Sherloc (09022015). Collection method: clinical testing. Allele origin: germline.
Comment: This sequence change affects an acceptor splice site in intron 4 of the G6PC3 gene. It is expected to disrupt RNA splicing. Variants that disrupt the donor or acceptor splice site typically lead to a loss of protein function (PMID: 16199547), and loss-of-function variants in G6PC3 are known to be pathogenic (PMID: 19118303, 25491320). This variant is not present in population databases (gnomAD no frequency). This variant has not been reported in the literature in individuals affected with G6PC3-related conditions. Algorithms developed to predict the effect of sequence changes on RNA splicing suggest that this variant may disrupt the consensus splice site. In summary, the currently available evidence indicates that the variant is pathogenic, but additional data are needed to prove that conclusively. Therefore, this variant has been classified as Likely Pathogenic.

Literature cited by the submitters: PubMed 16199547; PubMed 19118303; PubMed 25491320.

NM_138387.4(G6PC3):c.536-2A>G

Gene: G6PC3 (glucose-6-phosphatase catalytic subunit 3; plus strand). Cytogenetic location: 17q21.31.
Variant type: single nucleotide variant.
Coding change: c.536-2A>G on transcript NM_138387.4 (MANE Select); the canonical splice acceptor site of the intron before coding-DNA position 536, A replaced by G.
Molecular consequence: splice acceptor variant.
Genome position (GRCh38, 1-based): chr17:44,075,308, A>G. VCF-style: chr17-44075308-A-G. GRCh37 (hg19) VCF-style: chr17-42152676-A-G.
Other names: c.191-2A>G (NM_001384168.1, NM_001384165.1, NM_001384166.1 and 1 more transcripts); c.417-2A>G (NM_001319945.2).
Identifiers: ClinVar variation 2745129 (VCV002745129.3), dbSNP rs2509369208, ClinGen allele CA399727260.